The following is an entry in ClinVar:

ClinVar aggregate classification (germline): Uncertain significance (1 of 4 stars; one submission).

Allele frequency attached by ClinVar (database versions not stated): gnomAD exomes 0.00001.

Submission:

Labcorp Genetics (formerly Invitae), Labcorp
Classification: Uncertain significance. Last evaluated: 2024-02-12. Review status: criteria provided, single submitter. Criteria: Invitae Variant Classification Sherloc (09022015). Collection method: clinical testing. Allele origin: germline.
Comment: This sequence change replaces arginine, which is basic and polar, with cysteine, which is neutral and slightly polar, at codon 295 of the TNFRSF6B protein (p.Arg295Cys). This variant is not present in population databases (gnomAD no frequency). This variant has not been reported in the literature in individuals affected with TNFRSF6B-related conditions. ClinVar contains an entry for this variant (Variation ID: 1492805). An algorithm developed to predict the effect of missense changes on protein structure and function (PolyPhen-2) suggests that this variant is likely to be disruptive. Algorithms developed to predict the effect of sequence changes on RNA splicing suggest that this variant may create or strengthen a splice site. In summary, the available evidence is currently insufficient to determine the role of this variant in disease. Therefore, it has been classified as a Variant of Uncertain Significance.

NM_003823.4(TNFRSF6B):c.883C>T (p.Arg295Cys)

Genes: TNFRSF6B (TNF receptor superfamily member 6b; plus strand), RTEL1-TNFRSF6B (RTEL1-TNFRSF6B readthrough (NMD candidate); plus strand). Cytogenetic location: 20q13.33.
Variant type: single nucleotide variant.
Coding change: c.883C>T on transcript NM_003823.4 (MANE Select); coding-DNA position 883, C replaced by T.
Protein change: p.Arg295Cys; replaces arginine 295 with cysteine.
Molecular consequence: missense variant. On other transcripts: non-coding transcript variant (1).
Genome position (GRCh38, 1-based): chr20:63,698,543, C>T. VCF-style: chr20-63698543-C-T. GRCh37 (hg19) VCF-style: chr20-62329896-C-T.
Other names: short protein forms R295C.
Identifiers: ClinVar variation 1492805 (VCV001492805.8), dbSNP rs2145495203, ClinGen allele CA409712314.